The following is an entry in ClinVar:

ClinVar aggregate classification (germline): Pathogenic (1 of 4 stars; one submission).

Conditions:
SDHA-related disorder. Also called: SDHA-related condition; SDHA-related disorders.

Submission:

Women's Health and Genetics/Laboratory Corporation of America, LabCorp
Classification: Pathogenic for SDHA-Related Disorders. Last evaluated: 2025-11-20. Review status: criteria provided, single submitter. Criteria: LabCorp Variant Classification Summary - May 2015. Collection method: clinical testing. Allele origin: germline.
Comment: Variant summary: The variant involves the deletion of exons 1-15 in the SDHA gene. A presumed nomenclature of c.(?_-37)_(*663_?)del has been designated for the purposes of this classification. This deletion includes the entire coding sequence of the gene. As the exact proximal and distal breakpoints are unknown, it may extend beyond the annotated region of the gene to include other flanking genes. Loss-of-function variants in this gene are known to be pathogenic. The variant was absent in 21694 control chromosomes. c.(?_-37)_(*663_?)del has been observed in a study on genetic diagnostic testing on inherited disease and has been associated with Pheochromocytoma/paraganglioma syndrome 5 (Mu_2019). These report(s) do not provide unequivocal conclusions about association of the variant with SDHA-Related Disorders. To our knowledge, no experimental evidence demonstrating an impact on protein function has been reported. The following publication have been ascertained in the context of this evaluation (PMID: 30563988). No submitters have cited clinical-significance assessments for this variant to ClinVar. Based on the evidence outlined above, the variant was classified as pathogenic.

Literature cited by the submitters: PubMed 30563988.

NC_000005.9:g.(?_218434)_(257198_?)del

Gene: SDHA (succinate dehydrogenase complex flavoprotein subunit A; plus strand). Cytogenetic location: 5p15.33.
Variant type: Deletion.
Identifiers: ClinVar variation 4537264 (VCV004537264.1).